The following is an entry in ClinVar:

NM_018051.5(DYNC2I1):c.407A>C (p.Gln136Pro)

Gene: DYNC2I1 (dynein 2 intermediate chain 1; plus strand). Cytogenetic location: 7q36.3.
Variant type: single nucleotide variant.
Coding change: c.407A>C on transcript NM_018051.5 (MANE Select); coding-DNA position 407, A replaced by C.
Protein change: p.Gln136Pro; replaces glutamine 136 with proline.
Molecular consequence: missense variant. On other transcripts: 5 prime UTR variant (4).
Genome position (GRCh38, 1-based): chr7:158,871,479, A>C. VCF-style: chr7-158871479-A-C. GRCh37 (hg19) VCF-style: chr7-158664170-A-C.
Other names: c.269A>C, p.Gln90Pro (NM_001350914.2); c.-111A>C (NM_001350915.2); c.-952A>C (NM_001350916.2); c.-960A>C (NM_001350917.2); c.-1079A>C (NM_001350918.2); c.407A>C (NM_018051.4); short protein forms Q136P, Q90P.
Identifiers: ClinVar variation 1680640 (VCV001680640.8), dbSNP rs781030406, ClinGen allele CA4594291.

ClinVar aggregate classification (germline): Uncertain significance. Review status: criteria provided, multiple submitters, no conflicts (2 of 4 stars). 3 submissions from 3 submitters: Uncertain significance (3). Last evaluated 2023-11-02.

Conditions:
Inborn genetic diseases. Identifiers: MedGen C0950123, MeSH D030342.
Short-rib thoracic dysplasia 8 with or without polydactyly (SRTD8). Also called: SHORT-RIB THORACIC DYSPLASIA 8 WITH POLYDACTYLY. Identifiers: Orphanet 93271, MedGen C3809691, MONDO:0014214, OMIM 615503.

Allele frequency attached by ClinVar (database versions not stated): gnomAD 0.00001; gnomAD exomes 0.00006 and 0.00023; ExAC 0.00048.
gnomAD v4.1: 91 of 1,548,462 alleles (0.0059%); highest among the groups gnomAD compares: South Asian, 0.1%; 1 homozygote.

Submissions (3):

Revvity Omics, Revvity
Classification: Uncertain significance for Short-rib thoracic dysplasia 8 with or without polydactyly. Last evaluated: 2023-11-02. Review status: criteria provided, single submitter. Criteria: ACMG Guidelines, 2015. Collection method: clinical testing. Allele origin: germline.

Labcorp Genetics (formerly Invitae), Labcorp
Classification: Uncertain significance for Short-rib thoracic dysplasia 8 with or without polydactyly. Last evaluated: 2022-04-29. Review status: criteria provided, single submitter. Criteria: Invitae Variant Classification Sherloc (09022015). Collection method: clinical testing. Allele origin: germline.
Comment: This sequence change replaces glutamine, which is neutral and polar, with proline, which is neutral and non-polar, at codon 136 of the WDR60 protein (p.Gln136Pro). This variant is present in population databases (rs781030406, gnomAD 0.1%). This variant has not been reported in the literature in individuals affected with WDR60-related conditions. Algorithms developed to predict the effect of missense changes on protein structure and function output the following: SIFT: "Tolerated"; PolyPhen-2: "Possibly Damaging"; Align-GVGD: "Class C0". The proline amino acid residue is found in multiple mammalian species, which suggests that this missense change does not adversely affect protein function. In summary, the available evidence is currently insufficient to determine the role of this variant in disease. Therefore, it has been classified as a Variant of Uncertain Significance.

Ambry Genetics
Classification: Uncertain significance for Inborn genetic diseases. Last evaluated: 2022-01-04. Review status: criteria provided, single submitter. Criteria: Ambry Variant Classification Scheme 2023. Collection method: clinical testing. Allele origin: germline.